The following is an entry in ClinVar:

ClinVar aggregate classification (germline): Uncertain significance. Review status: criteria provided, multiple submitters, no conflicts (2 of 4 stars). 3 submissions from 3 submitters: Uncertain significance (3). Last evaluated 2025-01-23.

Conditions:
Pituitary adenoma 5, multiple types. Identifiers: MedGen C4539685, MONDO:0054601, OMIM 617540.
Usher syndrome type 1D (USH1D). Also called: USHER SYNDROME, TYPE ID. Identifiers: Orphanet 231169, Orphanet 886, MedGen C1832845, MONDO:0010984, OMIM 601067.
Autosomal recessive nonsyndromic hearing loss 12. Also called: DEAFNESS, AUTOSOMAL RECESSIVE 12. Identifiers: Orphanet 90636, MedGen C1832394, MONDO:0011067, OMIM 601386.
Inborn genetic diseases. Identifiers: MedGen C0950123, MeSH D030342.

gnomAD v4.1: 18 of 1,612,556 alleles (0.0011%); highest among the groups gnomAD compares: Middle Eastern, 0.016%; no homozygotes.

Submissions (3):

Labcorp Genetics (formerly Invitae), Labcorp
Classification: Uncertain significance. Last evaluated: 2025-01-23. Review status: criteria provided, single submitter. Criteria: Invitae Variant Classification Sherloc (09022015). Collection method: clinical testing. Allele origin: germline.
Comment: This sequence change replaces arginine, which is basic and polar, with cysteine, which is neutral and slightly polar, at codon 955 of the CDH23 protein (p.Arg955Cys). This variant is present in population databases (rs765094120, gnomAD 0.005%). This variant has not been reported in the literature in individuals affected with CDH23-related conditions. ClinVar contains an entry for this variant (Variation ID: 1492607). Invitae Evidence Modeling of protein sequence and biophysical properties (such as structural, functional, and spatial information, amino acid conservation, physicochemical variation, residue mobility, and thermodynamic stability) has been performed for this missense variant. However, the output from this modeling did not meet the statistical confidence thresholds required to predict the impact of this variant on CDH23 protein function. In summary, the available evidence is currently insufficient to determine the role of this variant in disease. Therefore, it has been classified as a Variant of Uncertain Significance.

Ambry Genetics
Classification: Uncertain significance for Inborn genetic diseases. Last evaluated: 2023-03-31. Review status: criteria provided, single submitter. Criteria: Ambry Variant Classification Scheme 2023. Collection method: clinical testing. Allele origin: germline.

Fulgent Genetics
Classification: Uncertain significance for Usher syndrome type 1D; Autosomal recessive nonsyndromic hearing loss 12; Pituitary adenoma 5, multiple types. Last evaluated: 2022-04-13. Review status: criteria provided, single submitter. Criteria: ACMG Guidelines, 2015. Collection method: clinical testing. Allele origin: unknown.

NM_022124.6(CDH23):c.2863C>T (p.Arg955Cys)

Gene: CDH23 (cadherin related 23; plus strand). Cytogenetic location: 10q22.1.
Variant type: single nucleotide variant.
Coding change: c.2863C>T on transcript NM_022124.6 (MANE Select); coding-DNA position 2863, C replaced by T.
Protein change: p.Arg955Cys; replaces arginine 955 with cysteine.
Molecular consequence: missense variant.
Genome position (GRCh38, 1-based): chr10:71,705,040, C>T. VCF-style: chr10-71705040-C-T. GRCh37 (hg19) VCF-style: chr10-73464797-C-T.
Other names: c.2863C>T, p.Arg955Cys (NM_001171930.2, NM_001171931.2); c.2863C>T (NM_022124.5); short protein forms R955C.
Identifiers: ClinVar variation 1492607 (VCV001492607.9), dbSNP rs765094120, ClinGen allele CA5544358.